The following is an entry in ClinVar:

NM_014009.4(FOXP3):c.1044G>T (p.Trp348Cys)

Gene: FOXP3 (forkhead box P3; minus strand). Cytogenetic location: Xp11.23.
Variant type: single nucleotide variant.
Coding change: c.1044G>T on transcript NM_014009.4 (MANE Select); coding-DNA position 1044, G replaced by T.
Protein change: p.Trp348Cys; replaces tryptophan 348 with cysteine.
Molecular consequence: missense variant.
Genome position (GRCh38, 1-based): chrX:49,253,126, C>A on the plus strand (G>T on the coding strand, the complement: FOXP3 is on the minus strand). VCF-style: chrX-49253126-C-A. GRCh37 (hg19) VCF-style: chrX-49109587-C-A.
Other names: c.939G>T, p.Trp313Cys (NM_001114377.2); short protein forms W348C, W313C.
Identifiers: ClinVar variation 850779 (VCV000850779.9), dbSNP rs2066044558, ClinGen allele CA412950068.

ClinVar aggregate classification (germline): Uncertain significance (1 of 4 stars; one submission).

Conditions:
Insulin-dependent diabetes mellitus secretory diarrhea syndrome (IPEX). Also called: X-Linked Autoimmunity-Allergic Dysregulation Syndrome; Immune dysregulation-polyendocrinopathy-enteropathy-X-linked syndrome; IMMUNODEFICIENCY, POLYENDOCRINOPATHY, AND ENTEROPATHY, X-LINKED; DIABETES MELLITUS, CONGENITAL INSULIN-DEPENDENT, WITH FATAL SECRETORY DIARRHEA; DIARRHEA, POLYENDOCRINOPATHY, FATAL INFECTION SYNDROME, X-LINKED; IPEX and IPEX-Like. Identifiers: Orphanet 37042, MedGen C0342288, MONDO:0010580, OMIM 304790. Disease mechanism: loss of function.

Submission:

Labcorp Genetics (formerly Invitae), Labcorp
Classification: Uncertain significance for Insulin-dependent diabetes mellitus secretory diarrhea syndrome. Last evaluated: 2019-03-03. Review status: criteria provided, single submitter. Criteria: Invitae Variant Classification Sherloc (09022015). Collection method: clinical testing. Allele origin: germline.
Comment: This sequence change replaces tryptophan with cysteine at codon 348 of the FOXP3 protein (p.Trp348Cys). The tryptophan residue is highly conserved and there is a large physicochemical difference between tryptophan and cysteine. This variant also falls at the last nucleotide of exon 10 of the FOXP3 coding sequence, which is part of the consensus splice site for this exon. This variant is not present in population databases (ExAC no frequency). This variant has not been reported in the literature in individuals with FOXP3-related conditions. Algorithms developed to predict the effect of missense changes on protein structure and function are either unavailable or do not agree on the potential impact of this missense change (SIFT: "Deleterious"; PolyPhen-2: "Probably Damaging"; Align-GVGD: "Class C15"). Nucleotide substitutions within the consensus splice site are a relatively common cause of aberrant splicing (PMID: 17576681, 9536098). Algorithms developed to predict the effect of sequence changes on RNA splicing suggest that this variant may disrupt the consensus splice site, but this prediction has not been confirmed by published transcriptional studies. In summary, the available evidence is currently insufficient to determine the role of this variant in disease. Therefore, it has been classified as a Variant of Uncertain Significance.

Literature cited by the submitters: PubMed 17576681; PubMed 9536098.